The following is an entry in ClinVar:

ClinVar aggregate classification (germline): Uncertain significance (1 of 4 stars; one submission).

gnomAD v4.1: 2 of 1,578,462 alleles (0.00013%); highest among the groups gnomAD compares: Non-Finnish European, 0.00017%; no homozygotes.

Submission:

Dasa
Classification: Uncertain significance. Last evaluated: 2026-03-19. Review status: criteria provided, single submitter. Criteria: DASA Assertion Criteria. Collection method: clinical testing. Allele origin: germline.
Comment: NM_015076.5(CDK19):c.350A>G (p.Asn117Ser) is a missense variant that results in the substitution of asparagine with serine. This variant is rare in population databases. The currently available literature and clinical evidence are not sufficient to establish a definitive association between this variant and the reported condition. Therefore, this variant is classified as a variant of uncertain significance.

NM_015076.5(CDK19):c.350A>G (p.Asn117Ser)

Gene: CDK19 (cyclin dependent kinase 19; minus strand). Cytogenetic location: 6q21.
Variant type: single nucleotide variant.
Coding change: c.350A>G on transcript NM_015076.5 (MANE Select); coding-DNA position 350, A replaced by G.
Protein change: p.Asn117Ser; replaces asparagine 117 with serine.
Molecular consequence: missense variant.
Genome position (GRCh38, 1-based): chr6:110,667,540, T>C on the plus strand (A>G on the coding strand, the complement: CDK19 is on the minus strand). VCF-style: chr6-110667540-T-C. GRCh37 (hg19) VCF-style: chr6-110988743-T-C.
Other names: c.350A>G, p.Asn117Ser (NM_001300960.2); c.170A>G, p.Asn57Ser (NM_001300963.2, NM_001300964.2); short protein forms N117S, N57S.
Identifiers: ClinVar variation 4881149 (VCV004881149.2).
Genomic context (GRCh38, chr6:110,667,540, plus strand): 5'-TCAAGAATCTGGTAAAGTAAGGATTTAACCATAGATCTTGGCAACTGCATGGGCTTTTTA[T>C]TTGCTTTTGATGCACGGTGAAACTTAATAATATGCTAAAAATTAAAAAAAAACATAATAA-3'
Protein context (NP_055891.1, residues 107-127): IIKFHRASKA[Asn117Ser]KKPMQLPRSM